The following is an entry in ClinVar:

ClinVar aggregate classification (germline): Pathogenic. Review status: criteria provided, multiple submitters, no conflicts (2 of 4 stars). 2 submissions from 2 submitters: Pathogenic (2). Last evaluated 2025-07-08.

Conditions:
Hereditary cancer-predisposing syndrome. Also called: Hereditary Cancer Syndrome; Tumor predisposition; Neoplastic Syndromes, Hereditary; Hereditary neoplastic syndrome. Identifiers: Orphanet 140162, MedGen C0027672, MeSH D009386, MONDO:0015356.
Hereditary breast ovarian cancer syndrome. Also called: Hereditary breast and ovarian cancer syndrome; Hereditary breast and/or ovarian cancer syndrome; Hereditary breast and ovarian cancer syndrome (HBOC); Breast and ovarian cancer; Hereditary breast and ovarian cancer; BRCA1- and BRCA2-Associated Hereditary Breast and Ovarian Cancer. Identifiers: Orphanet 145, MedGen C0677776, MeSH D061325, MONDO:0003582. Disease mechanism: loss of function.

Submissions (2):

Ambry Genetics
Classification: Pathogenic for Hereditary cancer-predisposing syndrome. Last evaluated: 2025-07-08. Review status: criteria provided, single submitter. Criteria: Ambry Variant Classification Scheme 2023. Collection method: clinical testing. Allele origin: germline.
Comment: The c.8234_8237dupTGAC pathogenic mutation, located in coding exon 17 of the BRCA2 gene, results from a duplication of TGAC at nucleotide position 8234, causing a translational frameshift with a predicted alternate stop codon (p.V2747Dfs*18). This variant is considered to be rare based on population cohorts in the Genome Aggregation Database (gnomAD). This alteration is expected to result in loss of function by premature protein truncation or nonsense-mediated mRNA decay. As such, this alteration is interpreted as a disease-causing mutation.

Labcorp Genetics (formerly Invitae), Labcorp
Classification: Pathogenic for Hereditary breast ovarian cancer syndrome. Last evaluated: 2019-01-22. Review status: criteria provided, single submitter. Criteria: Invitae Variant Classification Sherloc (09022015). Collection method: clinical testing. Allele origin: germline.
Comment: For these reasons, this variant has been classified as Pathogenic. This sequence change creates a premature translational stop signal (p.Val2747Aspfs*18) in the BRCA2 gene. It is expected to result in an absent or disrupted protein product. This variant is not present in population databases (ExAC no frequency). This variant has not been reported in the literature in individuals with BRCA2-related conditions. Loss-of-function variants in BRCA2 are known to be pathogenic (PMID: 20104584).

Literature cited by the submitters: PubMed 20104584 (cited by Labcorp Genetics (formerly Invitae), Labcorp).

NM_000059.4(BRCA2):c.8234_8237dup (p.Val2747fs)

Gene: BRCA2 (BRCA2 DNA repair associated; plus strand). Cytogenetic location: 13q13.1.
Variant type: Duplication.
Coding change: c.8234_8237dup on transcript NM_000059.4 (MANE Select); coding-DNA positions 8234 to 8237, 4 bases duplicated (TGAC; older notation c.8234_8237dupTGAC).
Protein change: p.Val2747fs; shifts the reading frame from valine 2747.
Molecular consequence: frameshift variant.
Genome position (GRCh38, 1-based): chr13:32,363,436-32,363,439, TGAC duplicated; duplicating any 4 consecutive bases within chr13:32,363,433-32,363,439 gives the same sequence; the c. name uses the placement nearest the transcript's 3' end. VCF-style (leftmost placement, unchanged base first): chr13-32363432-A-AGACT. GRCh37 (hg19) VCF-style: chr13-32937569-A-AGACT.
Other names: c.8234_8237dupTGAC (NM_000059.3); short protein forms V2747fs.
Identifiers: ClinVar variation 863625 (VCV000863625.9), dbSNP rs80359699, ClinGen allele CA916080534.